The following is an entry in ClinVar:

NM_001165963.4(SCN1A):c.3776T>A (p.Phe1259Tyr)

Genes: SCN1A (sodium voltage-gated channel alpha subunit 1; minus strand), LOC102724058 (uncharacterized LOC102724058; plus strand). Cytogenetic location: 2q24.3.
Variant type: single nucleotide variant.
Coding change: c.3776T>A on transcript NM_001165963.4 (MANE Select); coding-DNA position 3776, T replaced by A.
Protein change: p.Phe1259Tyr; replaces phenylalanine 1259 with tyrosine.
Molecular consequence: missense variant. On other transcripts: non-coding transcript variant (1).
Genome position (GRCh38, 1-based): chr2:166,012,212, A>T on the plus strand (T>A on the coding strand, the complement: SCN1A is on the minus strand). VCF-style: chr2-166012212-A-T. GRCh37 (hg19) VCF-style: chr2-166868722-A-T.
Other names: c.3692T>A, p.Phe1231Tyr (NM_001165964.3, NM_001353957.2, NM_001353958.2); c.3776T>A, p.Phe1259Tyr (NM_001202435.3, NM_001353948.2); c.3743T>A, p.Phe1248Tyr (NM_001353949.2, NM_001353950.2, NM_001353951.2 and 2 more transcripts); c.3740T>A, p.Phe1247Tyr (NM_001353954.2, NM_001353955.2); c.3689T>A, p.Phe1230Tyr (NM_001353960.2); c.1334T>A, p.Phe445Tyr (NM_001353961.2); short protein forms F1230Y, F1231Y, F1247Y, F1248Y, F1259Y, F445Y.
Identifiers: ClinVar variation 2627518 (VCV002627518.1), dbSNP rs398123591, ClinGen allele CA349054402.

ClinVar aggregate classification (germline): Uncertain significance (1 of 4 stars; one submission).

Conditions:
Generalized epilepsy with febrile seizures plus, type 2 (GEFSP2). Also called: GEFS+, TYPE 2. Identifiers: Orphanet 36387, MedGen C1858673, MONDO:0011461, OMIM 604403.

Submission:

Neuberg Centre For Genomic Medicine, NCGM
Classification: Uncertain significance for Generalized epilepsy with febrile seizures plus, type 2. Review status: criteria provided, single submitter. Criteria: ACMG Guidelines, 2015. Collection method: clinical testing. Allele origin: germline. Inheritance: Autosomal dominant inheritance. Affected: yes.
Comment: The missense variant p.F1259Y in SCN1A (NM_001165963.4) has not been reported previously as a pathogenic variant nor as a benign variant, to our knowledge. The p.F1259Y variant is novel (not in any individuals) in gnomAD Exomes and is novel (not in any individuals) in 1000 Genomes. The p.F1259Y missense variant is predicted to be damaging by both SIFT and PolyPhen2. The phenylalanine residue at codon 1259 of SCN1A is conserved in all mammalian species. The nucleotide c.3776 in SCN1A is predicted conserved by GERP++ and PhyloP across 100 vertebrates. For these reasons, this variant has been classified as Uncertain Significance.